The following is an entry in ClinVar:

NM_020975.6(RET):c.1504G>C (p.Val502Leu)

Gene: RET (ret proto-oncogene; plus strand). Cytogenetic location: 10q11.21.
Variant type: single nucleotide variant.
Coding change: c.1504G>C on transcript NM_020975.6 (MANE Select); coding-DNA position 1504, G replaced by C.
Protein change: p.Val502Leu; replaces valine 502 with leucine.
Molecular consequence: missense variant.
Genome position (GRCh38, 1-based): chr10:43,111,447, G>C. VCF-style: chr10-43111447-G-C. GRCh37 (hg19) VCF-style: chr10-43606895-G-C.
Other names: c.1504G>C, p.Val502Leu (NM_000323.2, NM_001406743.1, NM_001406744.1 and 6 more transcripts); c.742G>C, p.Val248Leu (NM_001355216.2); c.1375G>C, p.Val459Leu (NM_001406761.1, NM_001406762.1, NM_001406764.1 and 1 more transcripts); c.1216G>C, p.Val406Leu (NM_001406766.1, NM_001406767.1, NM_001406770.1); c.1108G>C, p.Val370Leu (NM_001406769.1, NM_001406772.1); c.1066G>C, p.Val356Leu (NM_001406771.1, NM_001406773.1); c.979G>C, p.Val327Leu (NM_001406774.1); c.778G>C, p.Val260Leu (NM_001406775.1, NM_001406776.1, NM_001406777.1 and 1 more transcripts); and 1 more; short protein forms V248L, V502L, V260L, V172L, V327L, V370L, V459L, V406L.
Identifiers: ClinVar variation 819408 (VCV000819408.11), dbSNP rs770395347, ClinGen allele CA376549995.

ClinVar aggregate classification (germline): Uncertain significance. Review status: criteria provided, multiple submitters, no conflicts (2 of 4 stars). 2 submissions from 2 submitters: Uncertain significance (2). Last evaluated 2022-05-03.

Conditions:
Multiple endocrine neoplasia, type 2 (MEN2). Identifiers: Orphanet 653, MedGen C4048306, MONDO:0019003. Disease mechanism: gain of function.
Hereditary cancer-predisposing syndrome. Also called: Tumor predisposition; Hereditary neoplastic syndrome; Neoplastic Syndromes, Hereditary; Hereditary Cancer Syndrome. Identifiers: Orphanet 140162, MedGen C0027672, MeSH D009386, MONDO:0015356.

Submissions (2):

Labcorp Genetics (formerly Invitae), Labcorp
Classification: Uncertain significance for Multiple endocrine neoplasia, type 2. Last evaluated: 2022-05-03. Review status: criteria provided, single submitter. Criteria: Invitae Variant Classification Sherloc (09022015). Collection method: clinical testing. Allele origin: germline.
Comment: This variant is not present in population databases (gnomAD no frequency). In summary, the available evidence is currently insufficient to determine the role of this variant in disease. Therefore, it has been classified as a Variant of Uncertain Significance. Algorithms developed to predict the effect of missense changes on protein structure and function output the following: SIFT: "Tolerated"; PolyPhen-2: "Benign"; Align-GVGD: "Class C0". The leucine amino acid residue is found in multiple mammalian species, which suggests that this missense change does not adversely affect protein function. ClinVar contains an entry for this variant (Variation ID: 819408). This variant has not been reported in the literature in individuals affected with RET-related conditions. This sequence change replaces valine, which is neutral and non-polar, with leucine, which is neutral and non-polar, at codon 502 of the RET protein (p.Val502Leu).

Ambry Genetics
Classification: Uncertain significance for Hereditary cancer-predisposing syndrome. Last evaluated: 2021-11-27. Review status: criteria provided, single submitter. Criteria: Ambry Variant Classification Scheme 2023. Collection method: clinical testing. Allele origin: germline.
Comment: The p.V502L variant (also known as c.1504G>C), located in coding exon 7 of the RET gene, results from a G to C substitution at nucleotide position 1504. The valine at codon 502 is replaced by leucine, an amino acid with highly similar properties. This amino acid position is not well conserved in available vertebrate species. In addition, this alteration is predicted to be tolerated by in silico analysis. Since supporting evidence is limited at this time, the clinical significance of this alteration remains unclear.